The following is an entry in ClinVar:

NM_002282.3(KRT83):c.1412G>A (p.Gly471Asp)

Gene: KRT83 (keratin 83; minus strand). Cytogenetic location: 12q13.13.
Variant type: single nucleotide variant.
Coding change: c.1412G>A on transcript NM_002282.3 (MANE Select); coding-DNA position 1412, G replaced by A.
Protein change: p.Gly471Asp; replaces glycine 471 with aspartic acid.
Molecular consequence: missense variant.
Genome position (GRCh38, 1-based): chr12:52,314,701, C>T on the plus strand (G>A on the coding strand, the complement: KRT83 is on the minus strand). VCF-style: chr12-52314701-C-T. GRCh37 (hg19) VCF-style: chr12-52708485-C-T.
Other names: short protein forms G471D.
Identifiers: ClinVar variation 309496 (VCV000309496.12), dbSNP rs147359482, ClinGen allele CA6577254.

ClinVar aggregate classification (germline): Benign. Review status: criteria provided, multiple submitters, no conflicts (2 of 4 stars). 4 submissions from 4 submitters: Benign (3). 1 of the submissions does not count toward it. Last evaluated 2025-10-27.

Conditions:
KRT83-related disorder. Also called: KRT83-related condition.
Monilethrix. Also called: Beaded hair. Identifiers: Orphanet 573, MedGen C0546966, MONDO:0008009, HP:0032470.

Allele frequency attached by ClinVar (database versions not stated): gnomAD exomes 0.00120 and 0.00355; ExAC 0.00768; gnomAD 0.01230 and 0.01317; 1000 Genomes Project 0.01298; 1000 Genomes Project 30x 0.01343; ESP Exome Variant Server 0.01425; TOPMed 0.01460.
gnomAD v4.1: 3,669 of 1,584,752 alleles (0.23%); highest among the groups gnomAD compares: African/African-American, 4.3%; 78 homozygotes.

Submissions (4):

Labcorp Genetics (formerly Invitae), Labcorp
Classification: Benign. Last evaluated: 2025-10-27. Review status: criteria provided, single submitter. Criteria: Invitae Variant Classification Sherloc (09022015). Collection method: clinical testing. Allele origin: germline.

Illumina Laboratory Services, Illumina
Classification: Benign for Monilethrix-1. Last evaluated: 2018-01-12. Review status: criteria provided, single submitter. Criteria: ICSL Variant Classification Criteria 13 December 2019. Collection method: clinical testing. Allele origin: germline.
Comment: This variant was observed in the ICSL laboratory as part of a predisposition screen in an ostensibly healthy population. It had not been previously curated by ICSL or reported in the Human Gene Mutation Database (HGMD: prior to June 1st, 2018), and was therefore a candidate for classification through an automated scoring system. Utilizing variant allele frequency, disease prevalence and penetrance estimates, and inheritance mode, an automated score was calculated to assess if this variant is too frequent to cause the disease. Based on the score and internal cut-off values, a variant classified as benign is not then subjected to further curation. The score for this variant resulted in a classification of benign for this disease.

Breakthrough Genomics
Classification: Benign. Review status: criteria provided, single submitter. Criteria: ACMG Guidelines, 2015. Collection method: not provided. Allele origin: germline. Inheritance: Autosomal recessive inheritance. Affected: yes.

PreventionGenetics, part of Exact Sciences
Classification: Benign for KRT83-related condition. Last evaluated: 2019-02-19. Review status: no assertion criteria provided. Collection method: clinical testing. Allele origin: germline. Not counted in ClinVar's aggregate classification.
Comment: This variant is classified as benign based on ACMG/AMP sequence variant interpretation guidelines (Richards et al. 2015 PMID: 25741868, with internal and published modifications).